The following is an entry in ClinVar:

NM_005419.4(STAT2):c.1727G>T (p.Arg576Leu)

Gene: STAT2 (signal transducer and activator of transcription 2; minus strand). Cytogenetic location: 12q13.3.
Variant type: single nucleotide variant.
Coding change: c.1727G>T on transcript NM_005419.4 (MANE Select); coding-DNA position 1727, G replaced by T.
Protein change: p.Arg576Leu; replaces arginine 576 with leucine.
Molecular consequence: missense variant.
Genome position (GRCh38, 1-based): chr12:56,346,953, C>A on the plus strand (G>T on the coding strand, the complement: STAT2 is on the minus strand). VCF-style: chr12-56346953-C-A. GRCh37 (hg19) VCF-style: chr12-56740737-C-A.
Other names: c.1715G>T, p.Arg572Leu (NM_198332.2); c.1727G>T, p.Arg576Leu (LRG_1329t1); short protein forms R576L, R572L.
Identifiers: ClinVar variation 542348 (VCV000542348.8), dbSNP rs200944055, ClinGen allele CA385260186.

ClinVar aggregate classification (germline): Uncertain significance (1 of 4 stars; one submission).

Conditions:
Primary immunodeficiency with post-measles-mumps-rubella vaccine viral infection. Also called: Immunodeficiency 44. Identifiers: Orphanet 431166, MedGen C4225260, MONDO:0014715, OMIM 616636.

Allele frequency attached by ClinVar (database versions not stated): TOPMed 0.00001.

Submission:

Labcorp Genetics (formerly Invitae), Labcorp
Classification: Uncertain significance for Primary immunodeficiency with post-measles-mumps-rubella vaccine viral infection. Last evaluated: 2021-09-02. Review status: criteria provided, single submitter. Criteria: Invitae Variant Classification Sherloc (09022015). Collection method: clinical testing. Allele origin: germline.
Comment: This variant has not been reported in the literature in individuals affected with STAT2-related conditions. Algorithms developed to predict the effect of missense changes on protein structure and function output the following: SIFT: "Tolerated"; PolyPhen-2: "Benign"; Align-GVGD: "Class C0". The leucine amino acid residue is found in multiple mammalian species, which suggests that this missense change does not adversely affect protein function. In summary, the available evidence is currently insufficient to determine the role of this variant in disease. Therefore, it has been classified as a Variant of Uncertain Significance. This variant is not present in population databases (ExAC no frequency). This sequence change replaces arginine with leucine at codon 576 of the STAT2 protein (p.Arg576Leu). The arginine residue is moderately conserved and there is a moderate physicochemical difference between arginine and leucine.